The following is an entry in ClinVar:

NM_000075.4(CDK4):c.535T>C (p.Trp179Arg)

Gene: CDK4 (cyclin dependent kinase 4; minus strand). Cytogenetic location: 12q14.1.
Variant type: single nucleotide variant.
Coding change: c.535T>C on transcript NM_000075.4 (MANE Select); coding-DNA position 535, T replaced by C.
Protein change: p.Trp179Arg; replaces tryptophan 179 with arginine.
Molecular consequence: missense variant.
Genome position (GRCh38, 1-based): chr12:57,750,753, A>G on the plus strand (T>C on the coding strand, the complement: CDK4 is on the minus strand). VCF-style: chr12-57750753-A-G. GRCh37 (hg19) VCF-style: chr12-58144536-A-G.
Other names: short protein forms W179R.
Identifiers: ClinVar variation 2841200 (VCV002841200.3), dbSNP rs2140385871, ClinGen allele CA385545981.

ClinVar aggregate classification (germline): Uncertain significance (1 of 4 stars; one submission).

Conditions:
Familial melanoma. Also called: Hereditary melanoma; Hereditary cutaneous melanoma. Identifiers: Orphanet 618, MedGen C1512419, MONDO:0018961.

Submission:

Labcorp Genetics (formerly Invitae), Labcorp
Classification: Uncertain significance for Familial melanoma. Last evaluated: 2023-02-27. Review status: criteria provided, single submitter. Criteria: Invitae Variant Classification Sherloc (09022015). Collection method: clinical testing. Allele origin: germline.
Comment: In summary, the available evidence is currently insufficient to determine the role of this variant in disease. Therefore, it has been classified as a Variant of Uncertain Significance. Advanced modeling of protein sequence and biophysical properties (such as structural, functional, and spatial information, amino acid conservation, physicochemical variation, residue mobility, and thermodynamic stability) performed at Invitae indicates that this missense variant is expected to disrupt CDK4 protein function. This variant has not been reported in the literature in individuals affected with CDK4-related conditions. This variant is not present in population databases (gnomAD no frequency). This sequence change replaces tryptophan, which is neutral and slightly polar, with arginine, which is basic and polar, at codon 179 of the CDK4 protein (p.Trp179Arg).